The following is an entry in ClinVar:

ClinVar aggregate classification (germline): Uncertain significance (1 of 4 stars; one submission).

Submission:

GeneDx
Classification: Uncertain significance. Last evaluated: 2026-01-22. Review status: criteria provided, single submitter. Criteria: GeneDx Variant Classification Process June 2021. Collection method: clinical testing. Allele origin: germline.
Comment: Not observed at significant frequency in large population cohorts (gnomAD); In silico analysis suggests that this missense variant does not alter protein structure/function; Has not been previously published as pathogenic or benign to our knowledge

NM_001378120.1(MBD5):c.1276G>T (p.Val426Phe)

Gene: MBD5 (methyl-CpG binding domain protein 5; plus strand). Cytogenetic location: 2q23.1.
Variant type: single nucleotide variant.
Coding change: c.1276G>T on transcript NM_001378120.1 (MANE Select); coding-DNA position 1276, G replaced by T.
Protein change: p.Val426Phe; replaces valine 426 with phenylalanine.
Molecular consequence: missense variant.
Genome position (GRCh38, 1-based): chr2:148,469,219, G>T. VCF-style: chr2-148469219-G-T. GRCh37 (hg19) VCF-style: chr2-149226788-G-T.
Other names: c.1276G>T, p.Val426Phe (NM_001438854.1, NM_001438855.1, NM_001438856.1 and 7 more transcripts); short protein forms V426F.
Identifiers: ClinVar variation 4975438 (VCV004975438.1).
Genomic context (GRCh38, chr2:148,469,219, plus strand): 5'-AATCTCCCATTGCCAACTGTAAAACCTGGTCACATGAATCATGGGAGTCATGTACAAAGA[G>T]TTCAGCATTCAGCTTCAACCTCCCTGTCCCCTTCTCCAGTGACATCCCCCGTGCACATGA-3'
Protein context (NP_001365049.1, residues 416-436): HMNHGSHVQR[Val426Phe]QHSASTSLSP